The following is an entry in ClinVar:

NM_001018115.3(FANCD2):c.1275_1278del (p.His424_Tyr425insTer)

Genes: FANCD2 (FA complementation group D2; plus strand), LOC107303338 (3p25 FANCD2 Alu-mediated recombination region; plus strand). Cytogenetic location: 3p25.3.
Variant type: Deletion.
Coding change: c.1275_1278del on transcript NM_001018115.3 (MANE Select); coding-DNA positions 1275 to 1278, 4 bases deleted (CTTA; older notation c.1275_1278delCTTA).
Protein change: p.His424_Tyr425insTer.
Molecular consequence: nonsense.
Genome position (GRCh38, 1-based): chr3:10,046,720-10,046,723, CTTA deleted; deleting any 4 consecutive bases within chr3:10,046,717-10,046,723 gives the same sequence; the c. name uses the placement nearest the transcript's 3' end. VCF-style (leftmost placement, unchanged base first): chr3-10046716-ATTAC-A. GRCh37 (hg19) VCF-style: chr3-10088400-ATTAC-A.
Other names: c.1273_1276delTACT (NM_001018115.3); c.1275_1278del, p.His424_Tyr425insTer (NM_001319984.2, NM_001374253.1, NM_001374254.1 and 1 more transcripts).
Identifiers: ClinVar variation 4077389 (VCV004077389.1).

ClinVar aggregate classification (germline): Pathogenic (1 of 4 stars; one submission).

Conditions:
Familial cancer of breast. Also called: Hereditary breast cancer; BREAST CANCER, FAMILIAL; hereditary breast carcinoma. Identifiers: Orphanet 227535, MedGen C0346153, MONDO:0016419, OMIM 114480. Disease mechanism: loss of function.

Submission:

Department of Genetics and Molecular Biology, Isfahan University of Medical Sciences
Classification: Pathogenic for Familial cancer of breast. Last evaluated: 2024-06-15. Review status: criteria provided, single submitter. Criteria: ACMG Guidelines, 2015. Collection method: clinical testing. Allele origin: germline. Inheritance: Autosomal dominant inheritance. Affected: yes. Observed: 1 heterozygote.
Comment: This variant is a frameshift variant which introduces a premature stop codon within the N-terminal F1 DNA-binding domain. This truncation removes over 70% of the protein. The variant pathogenecity was evaluated based on ACMG guideline and met PVS1, PM2, PP1, PP3 and PP4, being pathogenic.

Literature cited by the submitters: DOI 10.1007/s1054 9-020-05710 -6.